The following is an entry in ClinVar:

NM_183357.3(ADCY5):c.1862A>G (p.Glu621Gly)

Gene: ADCY5 (adenylate cyclase 5; minus strand). Cytogenetic location: 3q21.1.
Variant type: single nucleotide variant.
Coding change: c.1862A>G on transcript NM_183357.3 (MANE Select); coding-DNA position 1862, A replaced by G.
Protein change: p.Glu621Gly; replaces glutamic acid 621 with glycine.
Molecular consequence: missense variant.
Genome position (GRCh38, 1-based): chr3:123,327,703, T>C on the plus strand (A>G on the coding strand, the complement: ADCY5 is on the minus strand). VCF-style: chr3-123327703-T-C. GRCh37 (hg19) VCF-style: chr3-123046550-T-C.
Other names: c.812A>G, p.Glu271Gly (NM_001199642.1); c.1862A>G, p.Glu621Gly (NM_001378259.1); short protein forms E271G, E621G.
Identifiers: ClinVar variation 2574322 (VCV002574322.1), dbSNP rs762351093, ClinGen allele CA354219255.
Genomic context (GRCh38, chr3:123,327,703, plus strand): 5'-AGGAAGGTCTCGATACTGTGCTCCTTGAGGTAGGCGTTGCGCTCGCCCCCACAGCCTGGC[T>C]CCACCTCGTAGTCCCCATTCAGGTAGTTGAGTGTAGCCTTGGTGATGTGGATGCGTCTAC-3'
Protein context (NP_899200.1, residues 611-631): LNYLNGDYEV[Glu621Gly]PGCGGERNAY

ClinVar aggregate classification (germline): Uncertain significance (1 of 4 stars; one submission).

gnomAD v4.1: 1 of 1,613,966 alleles (0.000062%); highest among the groups gnomAD compares: Non-Finnish European, 0.000085%; no homozygotes.

Submission:

GeneDx
Classification: Uncertain significance. Last evaluated: 2023-01-31. Review status: criteria provided, single submitter. Criteria: GeneDx Variant Classification Process June 2021. Collection method: clinical testing. Allele origin: germline. Affected: yes.
Comment: Not observed at significant frequency in large population cohorts (gnomAD); In silico analysis supports that this missense variant has a deleterious effect on protein structure/function; Has not been previously published as pathogenic or benign to our knowledge